The following is an entry in ClinVar:

NM_001267550.2(TTN):c.66343T>C (p.Leu22115=)

Genes: TTN (titin; minus strand), TTN-AS1 (TTN antisense RNA 1; plus strand). Cytogenetic location: 2q31.2.
Variant type: single nucleotide variant.
Coding change: c.66343T>C on transcript NM_001267550.2 (MANE Select); coding-DNA position 66343, T replaced by C.
Protein change: p.Leu22115=; no amino-acid change (leucine 22115 retained).
Molecular consequence: synonymous variant.
Genome position (GRCh38, 1-based): chr2:178,582,026, A>G on the plus strand (T>C on the coding strand, the complement: TTN is on the minus strand). VCF-style: chr2-178582026-A-G. GRCh37 (hg19) VCF-style: chr2-179446753-A-G.
Other names: c.61420T>C, p.Leu20474= (NM_001256850.1); c.39148T>C, p.Leu13050= (NM_003319.4); c.58639T>C, p.Leu19547= (NM_133378.4); c.39523T>C, p.Leu13175= (NM_133432.3); c.39724T>C, p.Leu13242= (NM_133437.4).
Identifiers: ClinVar variation 3751934 (VCV003751934.6).

ClinVar aggregate classification (germline): Likely benign. Review status: criteria provided, multiple submitters, no conflicts (2 of 4 stars). 2 submissions from 2 submitters: Likely benign (2). Last evaluated 2026-02-01.

Conditions:
Autosomal recessive limb-girdle muscular dystrophy type 2J (LGMDR10). Also called: Limb-girdle muscular dystrophy, type 2J; MUSCULAR DYSTROPHY, LIMB-GIRDLE, AUTOSOMAL RECESSIVE 10. Identifiers: Orphanet 140922, MedGen C1837342, MONDO:0012127, OMIM 608807.
Dilated cardiomyopathy 1G (CMD1G). Identifiers: Orphanet 154, MedGen C1858763, MONDO:0011400, OMIM 604145.

gnomAD v4.1: 1 of 1,613,078 alleles (0.000062%); highest among the groups gnomAD compares: South Asian, 0.0011%; no homozygotes.

Submissions (2):

CeGaT Center for Human Genetics Tuebingen
Classification: Likely benign. Last evaluated: 2026-02-01. Review status: criteria provided, single submitter. Criteria: CeGaT Center For Human Genetics Tuebingen Variant Classification Criteria Version 2. Collection method: clinical testing. Allele origin: germline. Affected: yes. Observed: 1 variant allele.
Comment: TTN: BP4, BP7

Labcorp Genetics (formerly Invitae), Labcorp
Classification: Likely benign for Dilated cardiomyopathy 1G; Autosomal recessive limb-girdle muscular dystrophy type 2J. Last evaluated: 2024-06-02. Review status: criteria provided, single submitter. Criteria: Invitae Variant Classification Sherloc (09022015). Collection method: clinical testing. Allele origin: germline.